The following is an entry in ClinVar:

NM_000352.6(ABCC8):c.1727C>A (p.Ala576Asp)

Gene: ABCC8 (ATP binding cassette subfamily C member 8; minus strand). Cytogenetic location: 11p15.1.
Variant type: single nucleotide variant.
Coding change: c.1727C>A on transcript NM_000352.6 (MANE Select); coding-DNA position 1727, C replaced by A.
Protein change: p.Ala576Asp; replaces alanine 576 with aspartic acid.
Molecular consequence: missense variant. On other transcripts: non-coding transcript variant (1).
Genome position (GRCh38, 1-based): chr11:17,430,904, G>T on the plus strand (C>A on the coding strand, the complement: ABCC8 is on the minus strand). VCF-style: chr11-17430904-G-T. GRCh37 (hg19) VCF-style: chr11-17452451-G-T.
Other names: c.1727C>A, p.Ala576Asp (NM_001287174.3, NM_001351295.2); c.1724C>A, p.Ala575Asp (NM_001351296.2, NM_001351297.2); short protein forms A576D, A575D.
Identifiers: ClinVar variation 4774440 (VCV004774440.1).

ClinVar aggregate classification (germline): Uncertain significance (1 of 4 stars; one submission).

Submission:

Labcorp Genetics (formerly Invitae), Labcorp
Classification: Uncertain significance. Last evaluated: 2025-12-01. Review status: criteria provided, single submitter. Criteria: Invitae Variant Classification Sherloc (09022015). Collection method: clinical testing. Allele origin: germline.
Comment: This sequence change replaces alanine, which is neutral and non-polar, with aspartic acid, which is acidic and polar, at codon 576 of the ABCC8 protein (p.Ala576Asp). This variant is not present in population databases (gnomAD no frequency). This variant has not been reported in the literature in individuals affected with ABCC8-related conditions. Invitae Evidence Modeling of protein sequence and biophysical properties (such as structural, functional, and spatial information, amino acid conservation, physicochemical variation, residue mobility, and thermodynamic stability) indicates that this missense variant is expected to disrupt ABCC8 protein function with a positive predictive value of 95%. In summary, the available evidence is currently insufficient to determine the role of this variant in disease. Therefore, it has been classified as a Variant of Uncertain Significance.